The following is an entry in ClinVar:

NM_002294.3(LAMP2):c.-38G>C

Gene: LAMP2 (lysosomal associated membrane protein 2; minus strand). Cytogenetic location: Xq24.
Variant type: single nucleotide variant.
Coding change: c.-38G>C on transcript NM_002294.3 (MANE Select); 38 bases upstream of the start codon, G replaced by C.
Molecular consequence: 5 prime UTR variant.
Genome position (GRCh38, 1-based): chrX:120,469,207, C>G on the plus strand (G>C on the coding strand, the complement: LAMP2 is on the minus strand). VCF-style: chrX-120469207-C-G. GRCh37 (hg19) VCF-style: chrX-119603062-C-G.
Other names: c.-38G>C (NM_001122606.1, NM_013995.2).
Identifiers: ClinVar variation 517069 (VCV000517069.1), dbSNP rs1354020682, ClinGen allele CA658799854.

ClinVar aggregate classification (germline): Likely benign (1 of 4 stars; one submission).

Allele frequency attached by ClinVar (database versions not stated): gnomAD exomes below 0.00001 and 0.00001.
gnomAD v4.1: 2 of 1,184,073 alleles (0.00017%); highest among the groups gnomAD compares: Non-Finnish European, 0.00023%; no homozygotes.

Submission:

GeneDx
Classification: Likely benign. Last evaluated: 2017-11-20. Review status: criteria provided, single submitter. Criteria: GeneDx Variant Classification (06012015). Collection method: clinical testing. Allele origin: germline. Affected: yes.
Comment: This variant is considered likely benign or benign based on one or more of the following criteria: it is a conservative change, it occurs at a poorly conserved position in the protein, it is predicted to be benign by multiple in silico algorithms, and/or has population frequency not consistent with disease.